The following is an entry in ClinVar:

ClinVar aggregate classification (germline): Uncertain significance. Review status: criteria provided, multiple submitters, no conflicts (2 of 4 stars). 2 submissions from 2 submitters: Uncertain significance (2). Last evaluated 2023-03-13.

Allele frequency attached by ClinVar (database versions not stated): gnomAD 0.00001; gnomAD exomes 0.00001; ExAC 0.00002; TOPMed 0.00002.
gnomAD v4.1: 6 of 1,613,582 alleles (0.00037%); highest among the groups gnomAD compares: Admixed American, 0.01%; no homozygotes.

Submissions (2):

Ambry Genetics
Classification: Uncertain significance. Last evaluated: 2023-03-13. Review status: criteria provided, single submitter. Criteria: Ambry Variant Classification Scheme 2023. Collection method: clinical testing. Allele origin: germline.

Labcorp Genetics (formerly Invitae), Labcorp
Classification: Uncertain significance. Last evaluated: 2022-04-16. Review status: criteria provided, single submitter. Criteria: Invitae Variant Classification Sherloc (09022015). Collection method: clinical testing. Allele origin: germline.
Comment: This sequence change replaces asparagine, which is neutral and polar, with serine, which is neutral and polar, at codon 779 of the PIK3C2A protein (p.Asn779Ser). This variant is present in population databases (rs780871964, gnomAD 0.01%). This variant has not been reported in the literature in individuals affected with PIK3C2A-related conditions. Algorithms developed to predict the effect of missense changes on protein structure and function are either unavailable or do not agree on the potential impact of this missense change (SIFT: "Not Available"; PolyPhen-2: "Possibly Damaging"; Align-GVGD: "Not Available"). In summary, the available evidence is currently insufficient to determine the role of this variant in disease. Therefore, it has been classified as a Variant of Uncertain Significance.

NM_002645.4(PIK3C2A):c.2336A>G (p.Asn779Ser)

Gene: PIK3C2A (phosphatidylinositol-4-phosphate 3-kinase catalytic subunit type 2 alpha; minus strand). Cytogenetic location: 11p15.1.
Variant type: single nucleotide variant.
Coding change: c.2336A>G on transcript NM_002645.4 (MANE Select); coding-DNA position 2336, A replaced by G.
Protein change: p.Asn779Ser; replaces asparagine 779 with serine.
Molecular consequence: missense variant. On other transcripts: intron variant (1).
Genome position (GRCh38, 1-based): chr11:17,129,363, T>C on the plus strand (A>G on the coding strand, the complement: PIK3C2A is on the minus strand). VCF-style: chr11-17129363-T-C. GRCh37 (hg19) VCF-style: chr11-17150910-T-C.
Other names: c.2336A>G, p.Asn779Ser (NM_001321378.2); c.1196A>G, p.Asn399Ser (NM_001321380.2); c.2231+2553A>G (NM_001386870.1); c.2336A>G (NM_002645.2); short protein forms N779S, N399S.
Identifiers: ClinVar variation 1939612 (VCV001939612.4), dbSNP rs780871964, ClinGen allele CA5901127.